The following is an entry in ClinVar:

NM_001171.6(ABCC6):c.*10C>T

Gene: ABCC6 (ATP binding cassette subfamily C member 6; minus strand). Cytogenetic location: 16p13.11.
Variant type: single nucleotide variant.
Coding change: c.*10C>T on transcript NM_001171.6 (MANE Select); 10 bases downstream of the stop codon, C replaced by T.
Molecular consequence: 3 prime UTR variant. On other transcripts: non-coding transcript variant (4).
Genome position (GRCh38, 1-based): chr16:16,150,123, G>A on the plus strand (C>T on the coding strand, the complement: ABCC6 is on the minus strand). VCF-style: chr16-16150123-G-A. GRCh37 (hg19) VCF-style: chr16-16243980-G-A.
Other names: c.*10C>T (NM_001351800.1, NM_001440309.1, NM_001440310.1).
Identifiers: ClinVar variation 4980458 (VCV004980458.1).
Genomic context (GRCh38, chr16:16,150,123, plus strand): 5'-GGTCACTTCCATCTCCAGCACTGCAGGCTGTGCGGGCTGGTCCAACTGGGGTACGGTTGA[G>A]GGTCCTGGCTCAGACCAGGCCTGACTCCTGGGCCAGTCTGTAAAACAGGCCCTTCTGGGC-3'

ClinVar aggregate classification (germline): Likely benign (1 of 4 stars; one submission).

Conditions:
ABCC6-related disorder. Also called: ABCC6-related condition.

Submission:

PreventionGenetics, part of Exact Sciences
Classification: Likely benign for ABCC6-related condition. Last evaluated: 2025-01-31. Review status: criteria provided, single submitter. Criteria: ACMG Guidelines, 2015. Collection method: clinical testing. Allele origin: germline.
Comment: This variant is classified as likely benign based on ACMG/AMP sequence variant interpretation guidelines (Richards et al. 2015 PMID: 25741868, with internal and published modifications).